The following is an entry in ClinVar:

ClinVar aggregate classification (germline): Uncertain significance (1 of 4 stars; one submission).

Allele frequency attached by ClinVar (database versions not stated): TOPMed 0.00001.

Submission:

Labcorp Genetics (formerly Invitae), Labcorp
Classification: Uncertain significance. Last evaluated: 2025-09-02. Review status: criteria provided, single submitter. Criteria: Invitae Variant Classification Sherloc (09022015). Collection method: clinical testing. Allele origin: germline.
Comment: This sequence change falls in intron 10 of the PHIP gene. It does not directly change the encoded amino acid sequence of the PHIP protein. It affects a nucleotide within the consensus splice site. This variant is not present in population databases (gnomAD no frequency). This variant has not been reported in the literature in individuals affected with PHIP-related conditions. ClinVar contains an entry for this variant (Variation ID: 2067250). Variants that disrupt the consensus splice site are a relatively common cause of aberrant splicing (PMID: 17576681, 9536098). Algorithms developed to predict the effect of sequence changes on RNA splicing suggest that this variant is not likely to affect RNA splicing. In summary, the available evidence is currently insufficient to determine the role of this variant in disease. Therefore, it has been classified as a Variant of Uncertain Significance.

Literature cited by the submitters: PubMed 17576681; PubMed 9536098.

NM_017934.7(PHIP):c.995-3T>C

Gene: PHIP (PHIP subunit of CUL4-Ring ligase complex; minus strand). Cytogenetic location: 6q14.1.
Variant type: single nucleotide variant.
Coding change: c.995-3T>C on transcript NM_017934.7 (MANE Select); 3 bases into the intron before coding-DNA position 995, T replaced by C.
Molecular consequence: intron variant.
Genome position (GRCh38, 1-based): chr6:79,017,586, A>G on the plus strand (T>C on the coding strand, the complement: PHIP is on the minus strand). VCF-style: chr6-79017586-A-G. GRCh37 (hg19) VCF-style: chr6-79727303-A-G.
Identifiers: ClinVar variation 2067250 (VCV002067250.4), dbSNP rs1020219823, ClinGen allele CA141857077.